The following is an entry in ClinVar:

NM_017780.4(CHD7):c.5429G>A (p.Arg1810Gln)

Gene: CHD7 (chromodomain helicase DNA binding protein 7; plus strand). Cytogenetic location: 8q12.2.
Variant type: single nucleotide variant.
Coding change: c.5429G>A on transcript NM_017780.4 (MANE Select); coding-DNA position 5429, G replaced by A.
Protein change: p.Arg1810Gln; replaces arginine 1810 with glutamine.
Molecular consequence: missense variant. On other transcripts: intron variant (1).
Genome position (GRCh38, 1-based): chr8:60,850,517, G>A. VCF-style: chr8-60850517-G-A. GRCh37 (hg19) VCF-style: chr8-61763076-G-A.
Other names: c.1717-11712G>A (NM_001316690.1); short protein forms R1810Q.
Identifiers: ClinVar variation 589515 (VCV000589515.19), dbSNP rs755632561, ClinGen allele CA4760369.

ClinVar aggregate classification (germline): Likely benign. Review status: criteria provided, multiple submitters, no conflicts (2 of 4 stars). 4 submissions from 4 submitters: Likely benign (4). Last evaluated 2026-08-01.

Conditions:
Inborn genetic diseases. Identifiers: MedGen C0950123, MeSH D030342.
CHARGE syndrome (CHARGE). Also called: Coloboma, heart anomaly, choanal atresia, retardation, genital and ear anomalies; CHARGE association; Hall-Hittner syndrome; Hittner Hirsch Kreh syndrome; CHARGE ASSOCIATION--COLOBOMA, HEART ANOMALY, CHOANAL ATRESIA, RETARDATION, GENITAL AND EAR ANOMALIES. Identifiers: Orphanet 138, MedGen C0265354, MONDO:0008965.

Allele frequency attached by ClinVar (database versions not stated): gnomAD 0.00001 and 0.00002; gnomAD exomes 0.00002 and 0.00006; TOPMed 0.00003; ExAC 0.00007.
gnomAD v4.1: 32 of 1,613,570 alleles (0.002%); highest among the groups gnomAD compares: South Asian, 0.011%; 1 homozygote.

Submissions (4):

CeGaT Center for Human Genetics Tuebingen
Classification: Likely benign. Last evaluated: 2026-08-01. Review status: criteria provided, single submitter. Criteria: CeGaT Center For Human Genetics Tuebingen Variant Classification Criteria Version 2. Collection method: clinical testing. Allele origin: germline. Affected: yes. Observed: 1 variant allele.
Comment: CHD7: BS2

Labcorp Genetics (formerly Invitae), Labcorp
Classification: Likely benign for CHARGE syndrome. Last evaluated: 2026-01-28. Review status: criteria provided, single submitter. Criteria: Invitae Variant Classification Sherloc (09022015). Collection method: clinical testing. Allele origin: germline.

Ambry Genetics
Classification: Likely benign for Inborn genetic diseases. Last evaluated: 2025-08-31. Review status: criteria provided, single submitter. Criteria: Ambry Variant Classification Scheme 2023. Collection method: clinical testing. Allele origin: germline.

GeneDx
Classification: Likely benign. Last evaluated: 2019-07-29. Review status: criteria provided, single submitter. Criteria: GeneDx Variant Classification Process June 2021. Collection method: clinical testing. Allele origin: germline. Affected: yes.
Comment: In silico analysis, which includes protein predictors and evolutionary conservation, supports a deleterious effect; Has not been previously published as pathogenic or benign to our knowledge